The following is an entry in ClinVar:

ClinVar aggregate classification (germline): Conflicting classifications of pathogenicity. Review status: criteria provided, conflicting classifications (1 of 4 stars). 2 submissions from 2 submitters: Uncertain significance (1); Likely benign (1). Last evaluated 2026-04-12.

Conditions:
NSD1-related disorder. Also called: NSD1-related condition.

gnomAD v4.1: 8 of 1,614,190 alleles (0.0005%); highest among the groups gnomAD compares: South Asian, 0.0011%; no homozygotes.

Submissions (2):

PreventionGenetics, part of Exact Sciences
Classification: Uncertain significance for NSD1-related condition. Last evaluated: 2026-04-12. Review status: criteria provided, single submitter. Criteria: ACMG Guidelines, 2015. Collection method: clinical testing. Allele origin: germline.
Comment: The NSD1 c.2522A>G variant is predicted to result in the amino acid substitution p.Asn841Ser. To our knowledge, this variant has not been reported in the literature. This variant is reported in 0.0018% of alleles in individuals of European (Non-Finnish) descent in gnomAD. At this time, the clinical significance of this variant is uncertain due to the absence of conclusive functional and genetic evidence.

Labcorp Genetics (formerly Invitae), Labcorp
Classification: Likely benign. Last evaluated: 2025-03-19. Review status: criteria provided, single submitter. Criteria: Invitae Variant Classification Sherloc (09022015). Collection method: clinical testing. Allele origin: germline.

NM_022455.5(NSD1):c.2522A>G (p.Asn841Ser)

Gene: NSD1 (nuclear receptor binding SET domain protein 1; plus strand). Cytogenetic location: 5q35.3.
Variant type: single nucleotide variant.
Coding change: c.2522A>G on transcript NM_022455.5 (MANE Select); coding-DNA position 2522, A replaced by G.
Protein change: p.Asn841Ser; replaces asparagine 841 with serine.
Molecular consequence: missense variant.
Genome position (GRCh38, 1-based): chr5:177,210,921, A>G. VCF-style: chr5-177210921-A-G. GRCh37 (hg19) VCF-style: chr5-176637922-A-G.
Other names: c.1649A>G, p.Asn550Ser (NM_001365684.2, NM_001409306.1, NM_001409307.1 and 3 more transcripts); c.2522A>G, p.Asn841Ser (NM_001409301.1, NM_001409302.1, NM_001409303.1); c.2102A>G, p.Asn701Ser (NM_001409304.1); c.1769A>G, p.Asn590Ser (NM_001409305.1); short protein forms N590S, N550S, N701S, N841S.
Identifiers: ClinVar variation 3715379 (VCV003715379.3).
Genomic context (GRCh38, chr5:177,210,921, plus strand): 5'-GCTCTCCTTTGGCCAGCATTTCTAAAAGTGGGAAAGTGGATGGTCTAAAACTACTGAACA[A>G]TATGCATGAGAAAACCAGGGATTCAAGTGACATAGAAACAGCAGTGGTGAAACATGTTTT-3'
Protein context (NP_071900.2, residues 831-851): GKVDGLKLLN[Asn841Ser]MHEKTRDSSD